The following is an entry in ClinVar:

ClinVar aggregate classification (germline): Uncertain significance (1 of 4 stars; one submission).

Conditions:
Inborn genetic diseases. Identifiers: MedGen C0950123, MeSH D030342.

Submission:

Ambry Genetics
Classification: Uncertain significance for Inborn genetic diseases. Last evaluated: 2022-02-16. Review status: criteria provided, single submitter. Criteria: Ambry Variant Classification Scheme 2023. Collection method: clinical testing. Allele origin: germline.
Comment: The p.H354Y variant (also known as c.1060C>T), located in coding exon 10 of the AKT1 gene, results from a C to T substitution at nucleotide position 1060. The histidine at codon 354 is replaced by tyrosine, an amino acid with similar properties. This amino acid position is conserved. In addition, the in silico prediction for this alteration is inconclusive. Since supporting evidence is limited at this time, the clinical significance of this alteration remains unclear.

NM_001382430.1(AKT1):c.1060C>T (p.His354Tyr)

Gene: AKT1 (AKT serine/threonine kinase 1; minus strand). Cytogenetic location: 14q32.33.
Variant type: single nucleotide variant.
Coding change: c.1060C>T on transcript NM_001382430.1 (MANE Select); coding-DNA position 1060, C replaced by T.
Protein change: p.His354Tyr; replaces histidine 354 with tyrosine.
Molecular consequence: missense variant.
Genome position (GRCh38, 1-based): chr14:104,772,990, G>A on the plus strand (C>T on the coding strand, the complement: AKT1 is on the minus strand). VCF-style: chr14-104772990-G-A. GRCh37 (hg19) VCF-style: chr14-105239327-G-A.
Other names: c.1060C>T, p.His354Tyr (NM_001014431.2, NM_001014432.2, NM_001382431.1 and 3 more transcripts); short protein forms H354Y.
Identifiers: ClinVar variation 1780179 (VCV001780179.2), dbSNP rs2140901486, ClinGen allele CA391217004.